The following is an entry in ClinVar:

ClinVar aggregate classification (germline): Uncertain significance (1 of 4 stars; one submission).

gnomAD v4.1: 1 of 1,614,062 alleles (0.000062%); highest among the groups gnomAD compares: Non-Finnish European, 0.000085%; no homozygotes.

Submission:

Dasa
Classification: Uncertain significance. Last evaluated: 2025-08-29. Review status: criteria provided, single submitter. Criteria: DASA Assertion Criteria. Collection method: clinical testing. Allele origin: germline.
Comment: NM_001042424.3(NSD2):c.886G>C (p.Glu296Gln) is a missense variant that results in the substitution of glutamic acid with glutamine. This variant is rare in population databases. The currently available literature and clinical evidence are not sufficient to establish a definitive association between this variant and the reported condition. Therefore, this variant is classified as a variant of uncertain significance.

NM_001042424.3(NSD2):c.886G>C (p.Glu296Gln)

Gene: NSD2 (nuclear receptor binding SET domain protein 2; plus strand). Cytogenetic location: 4p16.3.
Variant type: single nucleotide variant.
Coding change: c.886G>C on transcript NM_001042424.3 (MANE Select); coding-DNA position 886, G replaced by C.
Protein change: p.Glu296Gln; replaces glutamic acid 296 with glutamine.
Molecular consequence: missense variant. On other transcripts: 5 prime UTR variant (2).
Genome position (GRCh38, 1-based): chr4:1,916,996, G>C. VCF-style: chr4-1916996-G-C. GRCh37 (hg19) VCF-style: chr4-1918723-G-C.
Other names: c.985G>C, p.Glu329Gln (NM_001440893.1); c.886G>C, p.Glu296Gln (NM_001440894.1, NM_001440895.1, NM_001440896.1 and 8 more transcripts); c.-84G>C (NM_001440899.1, NM_001440900.1); short protein forms E296Q, E329Q.
Identifiers: ClinVar variation 4886601 (VCV004886601.2).